The following is an entry in ClinVar:

ClinVar aggregate classification (germline): Pathogenic (1 of 4 stars; one submission).

Conditions:
Glycogen storage disease IXb (GSD9B). Also called: GLYCOGENOSIS OF LIVER AND MUSCLE, AUTOSOMAL RECESSIVE; GSD IXb; PHOSPHORYLASE KINASE DEFICIENCY OF LIVER AND MUSCLE, AUTOSOMAL RECESSIVE. Identifiers: Orphanet 79240, MedGen C0543514, MONDO:0009868, OMIM 261750.

Submission:

Labcorp Genetics (formerly Invitae), Labcorp
Classification: Pathogenic for Glycogen storage disease IXb. Last evaluated: 2023-09-17. Review status: criteria provided, single submitter. Criteria: Invitae Variant Classification Sherloc (09022015). Collection method: clinical testing. Allele origin: unknown.
Comment: This variant is a gross deletion of the genomic region encompassing exon(s) 2-14 of the PHKB gene. This deletion is out-of-frame, and is expected to create a premature termination codon and result in an absent or disrupted protein product. Loss-of-function variants in PHKB are known to be pathogenic (PMID: 9215682, 9326319). This variant has not been reported in the literature in individuals affected with PHKB-related conditions. For these reasons, this variant has been classified as Pathogenic.

Literature cited by the submitters: PubMed 9215682; PubMed 9326319.

NC_000016.9:g.(?_47531290)_(47644851_?)del

Gene: PHKB (phosphorylase kinase regulatory subunit beta; plus strand). Cytogenetic location: 16q12.1.
Variant type: Deletion.
Identifiers: ClinVar variation 3243385 (VCV003243385.1).